The following is an entry in ClinVar:

NM_130839.5(UBE3A):c.1576C>T (p.Arg526Cys)

Genes: SNHG14 (small nucleolar RNA host gene 14; plus strand), UBE3A (ubiquitin protein ligase E3A; minus strand). Cytogenetic location: 15q11.2.
Variant type: single nucleotide variant.
Coding change: c.1576C>T on transcript NM_130839.5 (MANE Select); coding-DNA position 1576, C replaced by T.
Protein change: p.Arg526Cys; replaces arginine 526 with cysteine.
Molecular consequence: missense variant. On other transcripts: non-coding transcript variant (1), intron variant (2).
Genome position (GRCh38, 1-based): chr15:25,370,598, G>A on the plus strand (C>T on the coding strand, the complement: UBE3A is on the minus strand). VCF-style: chr15-25370598-G-A. GRCh37 (hg19) VCF-style: chr15-25615745-G-A.
Other names: NM_130839.5(UBE3A):c.1576C>T; p.Arg526Cys; c.1585C>T, p.Arg529Cys (NM_000462.5); c.1576C>T, p.Arg526Cys (NM_001354505.1, NM_001354538.2, NM_001354545.2); c.1516C>T, p.Arg506Cys (NM_001354506.2, NM_001354507.2, NM_001354508.2 and 17 more transcripts); c.1399C>T, p.Arg467Cys (NM_001354546.2); c.301+4867C>T (NM_001354551.2); c.361+4867C>T (NM_001354550.2); short protein forms R506C, R529C, R467C, R526C.
Identifiers: ClinVar variation 418572 (VCV000418572.57), dbSNP rs1064793307, ClinGen allele CA16619907.

ClinVar aggregate classification (germline): Pathogenic. Review status: reviewed by expert panel (3 of 4 stars). 7 submissions from 7 submitters: Pathogenic (1). 6 of the submissions do not count toward it. Last evaluated 2025-02-28.

Conditions:
UBE3A-related disorder. Also called: UBE3A-related condition.
Angelman syndrome (AS). Also called: HAPPY PUPPET SYNDROME. Identifiers: Orphanet 72, MedGen C0162635, MONDO:0007113, OMIM 105830. Disease mechanism: loss of function. Inheritance: AS is caused by disruption of maternally imprinted UBE3A located within the 15q11.2-q13 Angelman syndrome/Prader-Willi syndrome (AS/PWS) region., imprinting disorder.

Submissions (7):

ClinGen Rett and Angelman-like Disorders Variant Curation Expert Panel
Classification: Pathogenic for Angelman syndrome. Last evaluated: 2025-02-28. Review status: reviewed by expert panel. Criteria: ClinGen RettAS ACMG Specifications UBE3A V5.0.0. Collection method: curation. Allele origin: germline. Inheritance: Autosomal dominant inheritance.
Comment: The c.1576C>T (p.Arg526Cys) variant in the UBE3A gene has been observed in at least 5 individuals with Angelman syndrome (PMID: 10647895, 19213023, 23708187, 25212744; GeneDx: internal database) (PS4). The p.Arg526Cys variant in UBE3A has been reported as an unconfirmed de novo occurrence in a individual with Angelman syndrome (PMID: 10647895) (PM6). The variant has been reported to segregate in two informative meioses (PMID: 23708187) (PP1). The computational predictor REVEL gives a score of 0.866, which is above the threshold of 0.644, evidence that correlates with impact to UBE3A function (PP3). The p.Arg526Cys variant in UBE3A has been reported in an individual with a clinical phenotype suggestive of Angelman syndrome (PMID: 10647895) (PP4). The p.Arg526Cys variant in UBE3A is absent from gnomAD v4.1 (PM2_Supporting). Protein expression analysis in transfected cell lines has shown that this variant destabilizes the protein, demonstrated by significantly reduced protein levels (PMID: 26255772) (PS3_Supporting). In summary, the p.Arg526Cys variant in UBE3A is classified as Pathogenic for Angelman syndrome based on the ACMG/AMP criteria (PS4, PM6, PP1, PP3, PP4, PM2_supporting, PS3_supporting) (UBE3A specifications version 5.0; curation approved on 2/28/2025).

GeneDx
Classification: Pathogenic. Last evaluated: 2026-02-07. Review status: criteria provided, single submitter. Criteria: GeneDx Variant Classification Process June 2021. Collection method: clinical testing. Allele origin: germline. Affected: yes. Not counted in ClinVar's aggregate classification.
Comment: Not observed at significant frequency in large population cohorts (gnomAD); In silico analysis supports that this missense variant has a deleterious effect on protein structure/function; Published functional studies demonstrate a damaging effect on protein localization and protein levels (PMID: 26255772); This variant is associated with the following publications: (PMID: 25212744, 20034088, 19213023, 23708187, 36011358, 31440721, 34815418, 33607653, 26255772, 10647895)

Variantyx, Inc.
Classification: Pathogenic for Angelman syndrome. Last evaluated: 2025-12-03. Review status: criteria provided, single submitter. Criteria: Variantyx Assertion Criteria 2022. Collection method: clinical testing. Allele origin: de novo. Inheritance: Autosomal dominant inheritance. Affected: yes. Not counted in ClinVar's aggregate classification.
Comment: This is a nonsynonymous variant in the UBE3A gene (OMIM: 601623). Pathogenic variants in this gene have been associated with autosomal dominant Angelman syndrome. It has been reported in several unrelated affected individuals (PMID: 10647895, 36011358, 19213023, 23708187, 25212744) (PS4) and observed to segregate with disease in at least two individuals from one family (PMID: 23708187) (PP1). Functional studies have shown that this variant alters UBE3A protein function (PMID: 26255772) (PS3) and multiple computational algorithms predict a deleterious effect for this variant (REVEL score: 0.866) (PP3). This variant is absent from control populations (PM2). Based on the current evidence, this variant is classified as pathogenic for autosomal dominant Angelman syndrome. Long-read sequencing using Oxford Nanopore Technologies (ONT) indicates that this variant arose on the maternal allele.

Labcorp Genetics (formerly Invitae), Labcorp
Classification: Pathogenic for Angelman syndrome. Last evaluated: 2024-03-11. Review status: criteria provided, single submitter. Criteria: Invitae Variant Classification Sherloc (09022015). Collection method: clinical testing. Allele origin: germline. Not counted in ClinVar's aggregate classification.
Comment: This sequence change replaces arginine, which is basic and polar, with cysteine, which is neutral and slightly polar, at codon 506 of the UBE3A protein (p.Arg506Cys). This variant is not present in population databases (gnomAD no frequency). This missense change has been observed in individual(s) with Angelman syndrome (PMID: 19213023, 26255772). In at least one individual the variant was observed to be de novo. ClinVar contains an entry for this variant (Variation ID: 418572). Advanced modeling of protein sequence and biophysical properties (such as structural, functional, and spatial information, amino acid conservation, physicochemical variation, residue mobility, and thermodynamic stability) performed at Invitae indicates that this missense variant is expected to disrupt UBE3A protein function with a positive predictive value of 95%. Experimental studies have shown that this missense change affects UBE3A function (PMID: 33607653). For these reasons, this variant has been classified as Pathogenic.

Genetics and Molecular Pathology, SA Pathology
Classification: Pathogenic for Angelman syndrome. Last evaluated: 2021-01-21. Review status: criteria provided, single submitter. Criteria: ACMG Guidelines, 2015. Collection method: clinical testing. Allele origin: germline. Affected: yes. Not counted in ClinVar's aggregate classification.
Comment: This sequence change replaces arginine with cysteine at codon 506 of the UBE3A protein (p.Arg506Cys). The arginine residue is highly conserved and there is a large physicochemical difference between arginine and cysteine. This variant is not present in population databases (ExAC no frequency). This variant has been reported to be de novo in an individual affected with Angelman syndrome (PMID:Â¬â€ 26255772). This variant has also been reported to be maternally inherited in an unrelated individual affected with Angelman syndrome (PMID:Â¬â€ 19213023). ClinVar contains an entry for this variant (Variation ID: 418572). Experimental studies have shown that this missense change results in reduced UBE3A protein expression (PMID: 26255772). In summary, the currently available evidence indicates that the variant is pathogenic, but additional data are needed to prove that conclusively. Therefore, this variant has been classified as Likely Pathogenic.

CeGaT Center for Human Genetics Tuebingen
Classification: Pathogenic. Last evaluated: 2019-08-01. Review status: criteria provided, single submitter. Criteria: CeGaT Center For Human Genetics Tuebingen Variant Classification Criteria Version 2. Collection method: clinical testing. Allele origin: germline. Affected: yes. Observed: 3 variant alleles. Not counted in ClinVar's aggregate classification.

PreventionGenetics, part of Exact Sciences
Classification: Pathogenic for UBE3A-related condition. Last evaluated: 2024-01-10. Review status: no assertion criteria provided. Collection method: clinical testing. Allele origin: germline. Not counted in ClinVar's aggregate classification.
Comment: The UBE3A c.1516C>T variant is predicted to result in the amino acid substitution p.Arg506Cys. This variant has been reported as maternally-inherited or de novo in individuals with Angelman syndrome (Baumer et al. 1999. PubMed ID: 10647895; Table S2, Truty et al. 2019. PubMed ID: 31440721; Table S1, Du et al. 2022. PubMed ID: 36011358). This variant has not been reported in a large population database, indicating this variant is rare. Given the evidence, we interpret this variant as pathogenic.

Literature cited by the submitters: PubMed 10647895 (cited by Variantyx, Inc.); PubMed 36011358 (cited by Variantyx, Inc.); PubMed 19213023 (cited by Variantyx, Inc. and Labcorp Genetics (formerly Invitae), Labcorp); PubMed 23708187 (cited by Variantyx, Inc.); PubMed 25212744 (cited by Variantyx, Inc.); PubMed 26255772 (cited by 3 submitters); PubMed 33607653 (cited by Labcorp Genetics (formerly Invitae), Labcorp).